The following is an entry in ClinVar:

NM_001191061.2(SLC25A22):c.149C>A (p.Ser50Tyr)

Gene: SLC25A22 (solute carrier family 25 member 22; minus strand). Cytogenetic location: 11p15.5.
Variant type: single nucleotide variant.
Coding change: c.149C>A on transcript NM_001191061.2 (MANE Select); coding-DNA position 149, C replaced by A.
Protein change: p.Ser50Tyr; replaces serine 50 with tyrosine.
Molecular consequence: missense variant.
Genome position (GRCh38, 1-based): chr11:794,511, G>T on the plus strand (C>A on the coding strand, the complement: SLC25A22 is on the minus strand). VCF-style: chr11-794511-G-T. GRCh37 (hg19) VCF-style: chr11-794511-G-T.
Other names: c.149C>A, p.Ser50Tyr (NM_001191060.2, NM_024698.6); short protein forms S50Y.
Identifiers: ClinVar variation 854144 (VCV000854144.10), dbSNP rs1311121982, ClinGen allele CA378921406.
Genomic context (GRCh38, chr11:794,511, plus strand): 5'-ACCTCACCCCGGTACATGCCGAAGTAGCCCTCGGAGCGGACGGTCTTGATGAGGCAGTCG[G>T]ACCTGTGGCCAAGGGGACAGGGTGAGCCAGGGCCAGCTGGGGCCAGCCGGAGGCCAGGGT-3'
Protein context (NP_001177990.1, residues 40-60): QNGQRVYTSM[Ser50Tyr]DCLIKTVRSE

ClinVar aggregate classification (germline): Uncertain significance (1 of 4 stars; one submission).

Conditions:
Early-infantile DEE. Also called: Ohtahara syndrome; Early infantile epileptic encephalopathy with suppression bursts; Early infantile epileptic encephalopathy. Identifiers: Orphanet 1934, MedGen C0393706, MONDO:0800491.

Allele frequency attached by ClinVar (database versions not stated): gnomAD exomes below 0.00001.

Submission:

Labcorp Genetics (formerly Invitae), Labcorp
Classification: Uncertain significance for Early-infantile DEE. Last evaluated: 2019-12-16. Review status: criteria provided, single submitter. Criteria: Invitae Variant Classification Sherloc (09022015). Collection method: clinical testing. Allele origin: germline.
Comment: In summary, the available evidence is currently insufficient to determine the role of this variant in disease. Therefore, it has been classified as a Variant of Uncertain Significance. Algorithms developed to predict the effect of missense changes on protein structure and function are either unavailable or do not agree on the potential impact of this missense change (SIFT: "Deleterious"; PolyPhen-2: "Benign"; Align-GVGD: "Class C15"). This variant has not been reported in the literature in individuals with SLC25A22-related conditions. This variant is not present in population databases (ExAC no frequency). This sequence change replaces serine with tyrosine at codon 50 of the SLC25A22 protein (p.Ser50Tyr). The serine residue is highly conserved and there is a large physicochemical difference between serine and tyrosine.